The following is an entry in ClinVar:

NM_003265.3(TLR3):c.1395CAA[1] (p.Asn466del)

Gene: TLR3 (toll like receptor 3; plus strand). Cytogenetic location: 4q35.1.
Variant type: Microsatellite.
Coding change: c.1395CAA[1] on transcript NM_003265.3 (MANE Select); one copy of the 3-base unit CAA starting at c.1395; the reference has two copies in a row; one copy, 3 bases deleted.
Protein change: p.Asn466del; deletes asparagine 466.
Genome position (GRCh38, 1-based): chr4:186,083,084-186,083,086, CAA deleted; deleting any 3 consecutive bases within chr4:186,083,080-186,083,086 gives the same sequence; the position shown is the placement nearest the transcript's 3' end. VCF-style (leftmost placement, unchanged base first): chr4-186083079-TACA-T. GRCh37 (hg19) VCF-style: chr4-187004233-TACA-T.
Other names: short protein forms N466del.
Identifiers: ClinVar variation 3669865 (VCV003669865.2).

ClinVar aggregate classification (germline): Uncertain significance (1 of 4 stars; one submission).

Conditions:
Encephalopathy, acute, infection-induced (herpes-specific), susceptibility to, 1. Also called: Herpes simplex encephalitis, susceptibility to, 1. Identifiers: Orphanet 1930, MedGen C2750180, MONDO:0024563, OMIM 610551.

Submission:

Labcorp Genetics (formerly Invitae), Labcorp
Classification: Uncertain significance for Encephalopathy, acute, infection-induced (herpes-specific), susceptibility to, 1. Last evaluated: 2024-02-08. Review status: criteria provided, single submitter. Criteria: Invitae Variant Classification Sherloc (09022015). Collection method: clinical testing. Allele origin: germline.
Comment: This variant, c.1398_1400del, results in the deletion of 1 amino acid(s) of the TLR3 protein (p.Asn466del), but otherwise preserves the integrity of the reading frame. This variant is present in population databases (no rsID available, gnomAD 0.007%). This variant has not been reported in the literature in individuals affected with TLR3-related conditions. Experimental studies and prediction algorithms are not available or were not evaluated, and the functional significance of this variant is currently unknown. In summary, the available evidence is currently insufficient to determine the role of this variant in disease. Therefore, it has been classified as a Variant of Uncertain Significance.